The following is an entry in ClinVar:

ClinVar aggregate classification (germline): Uncertain significance (1 of 4 stars; one submission).

Submission:

Labcorp Genetics (formerly Invitae), Labcorp
Classification: Uncertain significance. Last evaluated: 2021-10-20. Review status: criteria provided, single submitter. Criteria: Invitae Variant Classification Sherloc (09022015). Collection method: clinical testing. Allele origin: germline.
Comment: This sequence change replaces phenylalanine, which is neutral and non-polar, with serine, which is neutral and polar, at codon 46 of the CACNA2D4 protein (p.Phe46Ser). This variant is not present in population databases (gnomAD no frequency). This variant has not been reported in the literature in individuals affected with CACNA2D4-related conditions. Algorithms developed to predict the effect of missense changes on protein structure and function output the following: SIFT: "Tolerated"; PolyPhen-2: "Benign"; Align-GVGD: "Class C0". The serine amino acid residue is found in multiple mammalian species, which suggests that this missense change does not adversely affect protein function. In summary, the available evidence is currently insufficient to determine the role of this variant in disease. Therefore, it has been classified as a Variant of Uncertain Significance.

NM_172364.5(CACNA2D4):c.137T>C (p.Phe46Ser)

Gene: CACNA2D4 (calcium voltage-gated channel auxiliary subunit alpha2delta 4; minus strand). Cytogenetic location: 12p13.33.
Variant type: single nucleotide variant.
Coding change: c.137T>C on transcript NM_172364.5 (MANE Select); coding-DNA position 137, T replaced by C.
Protein change: p.Phe46Ser; replaces phenylalanine 46 with serine.
Molecular consequence: missense variant.
Genome position (GRCh38, 1-based): chr12:1,918,337, A>G on the plus strand (T>C on the coding strand, the complement: CACNA2D4 is on the minus strand). VCF-style: chr12-1918337-A-G. GRCh37 (hg19) VCF-style: chr12-2027503-A-G.
Other names: short protein forms F46S.
Identifiers: ClinVar variation 1388012 (VCV001388012.6), dbSNP rs2154454176, ClinGen allele CA383366178.